The following is an entry in ClinVar:

ClinVar aggregate classification (germline): Likely benign. Review status: reviewed by expert panel (3 of 4 stars). 3 submissions from 3 submitters: Likely benign (1). 2 of the submissions do not count toward it. Last evaluated 2024-09-10.

Conditions:
Hereditary thrombocytopenia and hematologic cancer predisposition syndrome. Identifiers: Orphanet 71290, MedGen CN281654, MONDO:0011071.
Inborn genetic diseases. Identifiers: MedGen C0950123, MeSH D030342.
Hereditary thrombocytopenia and hematological cancer predisposition syndrome associated with RUNX1. Also called: Familial Platelet Disorder with Propensity to Acute Myelogenous Leukemia; Familial thrombocytopenia with propensity to acute myelogenous leukemia; PLATELET DISORDER, ASPIRIN-LIKE; RUNX1 Familial Platelet Disorder with Associated Myeloid Malignancies. Identifiers: Orphanet 71290, MedGen C1832388, MeSH C563324, MONDO:0100083, OMIM 601399.

Submissions (3):

ClinGen Myeloid Malignancy Variant Curation Expert Panel
Classification: Likely benign for Hereditary thrombocytopenia and hematologic cancer predisposition syndrome. Last evaluated: 2024-09-10. Review status: reviewed by expert panel. Criteria: ClinGen MyeloMalig ACMG Specifications v2. Collection method: curation. Allele origin: germline. Inheritance: Autosomal dominant inheritance.
Comment: NM_001754.5(RUNX1):c.1029C>G (p.Ser343=) is a synonymous variant which has a SpliceAI score ≤ 0.20 (0.0) (BP4). This variant has a SpliceAI score ≤ 0.20 (0.0) and evolutionary conservation algorithms predict the site as not being conserved (PhyloP score ≤ 2.0 (-2.50)) (BP7). This variant is completely absent from all population databases with at least 20x coverage for RUNX1 (PM2_Supporting). In summary, this variant meets criteria to be classified as likely benign. ACMG/AMP criteria applied, as specified by the Myeloid Malignancy Variant Curation Expert Panel for RUNX1: BP4, BP7, PM2_supporting.

Ambry Genetics
Classification: Likely benign for Inborn genetic diseases. Last evaluated: 2025-06-14. Review status: criteria provided, single submitter. Criteria: Ambry Variant Classification Scheme 2023. Collection method: clinical testing. Allele origin: germline. Not counted in ClinVar's aggregate classification.

Labcorp Genetics (formerly Invitae), Labcorp
Classification: Likely benign for Hereditary thrombocytopenia and hematological cancer predisposition syndrome associated with RUNX1. Last evaluated: 2021-12-30. Review status: criteria provided, single submitter. Criteria: Invitae Variant Classification Sherloc (09022015). Collection method: clinical testing. Allele origin: germline. Not counted in ClinVar's aggregate classification.

NM_001754.5(RUNX1):c.1029C>G (p.Ser343=)

Gene: RUNX1 (RUNX family transcription factor 1; minus strand). Cytogenetic location: 21q22.12.
Variant type: single nucleotide variant.
Coding change: c.1029C>G on transcript NM_001754.5 (MANE Select); coding-DNA position 1029, C replaced by G.
Protein change: p.Ser343=; no amino-acid change (serine 343 retained).
Molecular consequence: synonymous variant.
Genome position (GRCh38, 1-based): chr21:34,792,549, G>C on the plus strand (C>G on the coding strand, the complement: RUNX1 is on the minus strand). VCF-style: chr21-34792549-G-C. GRCh37 (hg19) VCF-style: chr21-36164846-G-C.
Other names: NM_001754.5(RUNX1):c.1029C>G; p.Ser343=; c.948C>G, p.Ser316= (NM_001001890.3).
Identifiers: ClinVar variation 2066165 (VCV002066165.6), dbSNP rs767579059, ClinGen allele CA512341359.